The following is an entry in ClinVar:

ClinVar aggregate classification (germline): Benign (1 of 4 stars; one submission).

Allele frequency attached by ClinVar (database versions not stated): gnomAD exomes 0.00253; gnomAD 0.04568 and 0.04899; 1000 Genomes Project 0.05012; TOPMed 0.05064; 1000 Genomes Project 30x 0.05465.
gnomAD v4.1: 6,887 of 155,530 alleles (4.4%); highest among the groups gnomAD compares: African/African-American, 16%; 537 homozygotes.

Submission:

GeneDx
Classification: Benign. Last evaluated: 2018-06-14. Review status: criteria provided, single submitter. Criteria: GeneDx Variant Classification (06012015). Collection method: clinical testing. Allele origin: germline. Affected: yes.
Comment: This variant is considered likely benign or benign based on one or more of the following criteria: it is a conservative change, it occurs at a poorly conserved position in the protein, it is predicted to be benign by multiple in silico algorithms, and/or has population frequency not consistent with disease.

NM_002633.3(PGM1):c.247-6445A>G

Gene: PGM1 (phosphoglucomutase 1; plus strand). Cytogenetic location: 1p31.3.
Variant type: single nucleotide variant.
Coding change: c.247-6445A>G on transcript NM_002633.3 (MANE Select); 6445 bases into the intron before coding-DNA position 247, A replaced by G.
Molecular consequence: intron variant.
Genome position (GRCh38, 1-based): chr1:63,622,980, A>G. VCF-style: chr1-63622980-A-G. GRCh37 (hg19) VCF-style: chr1-64088651-A-G.
Other names: c.-345-6445A>G (NM_001172819.2).
Identifiers: ClinVar variation 672472 (VCV000672472.1), dbSNP rs72920859, ClinGen allele CA10939799.